The following is an entry in ClinVar:

NM_152743.4(BRAT1):c.2389A>G (p.Lys797Glu)

Gene: BRAT1 (BRCA1 associated ATM activator 1; minus strand). Cytogenetic location: 7p22.3.
Variant type: single nucleotide variant.
Coding change: c.2389A>G on transcript NM_152743.4 (MANE Select); coding-DNA position 2389, A replaced by G.
Protein change: p.Lys797Glu; replaces lysine 797 with glutamic acid.
Molecular consequence: missense variant. On other transcripts: non-coding transcript variant (1).
Genome position (GRCh38, 1-based): chr7:2,538,146, T>C on the plus strand (A>G on the coding strand, the complement: BRAT1 is on the minus strand). VCF-style: chr7-2538146-T-C. GRCh37 (hg19) VCF-style: chr7-2577780-T-C.
Other names: c.2569A>G, p.Lys857Glu (NM_001350626.2); c.1864A>G, p.Lys622Glu (NM_001350627.2); short protein forms K622E, K797E, K857E.
Identifiers: ClinVar variation 956920 (VCV000956920.5), dbSNP rs773514268, ClinGen allele CA4127371.

ClinVar aggregate classification (germline): Uncertain significance. Review status: criteria provided, multiple submitters, no conflicts (2 of 4 stars). 2 submissions from 2 submitters: Uncertain significance (2). Last evaluated 2022-07-06.

Conditions:
Inborn genetic diseases. Identifiers: MedGen C0950123, MeSH D030342.
Neonatal-onset encephalopathy with rigidity and seizures. Also called: Lethal neonatal spasticity-epileptic encephalopathy syndrome. Identifiers: Orphanet 435845, MedGen C3281029, MONDO:0013784, OMIM 614498.

Allele frequency attached by ClinVar (database versions not stated): TOPMed below 0.00001; gnomAD 0.00001; gnomAD exomes 0.00002 and 0.00003; ExAC 0.00005.

Submissions (2):

Labcorp Genetics (formerly Invitae), Labcorp
Classification: Uncertain significance for Neonatal-onset encephalopathy with rigidity and seizures. Last evaluated: 2022-07-06. Review status: criteria provided, single submitter. Criteria: Invitae Variant Classification Sherloc (09022015). Collection method: clinical testing. Allele origin: germline.
Comment: This sequence change replaces lysine, which is basic and polar, with glutamic acid, which is acidic and polar, at codon 797 of the BRAT1 protein (p.Lys797Glu). This variant is present in population databases (rs773514268, gnomAD 0.02%). This variant has not been reported in the literature in individuals affected with BRAT1-related conditions. ClinVar contains an entry for this variant (Variation ID: 956920). Algorithms developed to predict the effect of missense changes on protein structure and function (SIFT, PolyPhen-2, Align-GVGD) all suggest that this variant is likely to be tolerated. In summary, the available evidence is currently insufficient to determine the role of this variant in disease. Therefore, it has been classified as a Variant of Uncertain Significance.

Ambry Genetics
Classification: Uncertain significance for Inborn genetic diseases. Last evaluated: 2021-02-09. Review status: criteria provided, single submitter. Criteria: Ambry Variant Classification Scheme 2023. Collection method: clinical testing. Allele origin: germline.